The following is an entry in ClinVar:

NM_016204.4(GDF2):c.638G>T (p.Arg213Leu)

Gene: GDF2 (growth differentiation factor 2; plus strand). Cytogenetic location: 10q11.22.
Variant type: single nucleotide variant.
Coding change: c.638G>T on transcript NM_016204.4 (MANE Select); coding-DNA position 638, G replaced by T.
Protein change: p.Arg213Leu; replaces arginine 213 with leucine.
Molecular consequence: missense variant.
Genome position (GRCh38, 1-based): chr10:47,325,132, G>T. VCF-style: chr10-47325132-G-T. GRCh37 (hg19) VCF-style: chr10-48414230-C-A.
Other names: short protein forms R213L.
Identifiers: ClinVar variation 4857924 (VCV004857924.1).

ClinVar aggregate classification (germline): Uncertain significance (1 of 4 stars; one submission).

Conditions:
Cardiovascular phenotype. Identifiers: MedGen CN230736.

Submission:

Ambry Genetics
Classification: Uncertain significance for Cardiovascular phenotype. Last evaluated: 2026-06-09. Review status: criteria provided, single submitter. Criteria: Ambry Variant Classification Scheme 2023. Collection method: clinical testing. Allele origin: germline.
Comment: The p.R213L variant (also known as c.638G>T), located in coding exon 2 of the GDF2 gene, results from a G to T substitution at nucleotide position 638. The arginine at codon 213 is replaced by leucine, an amino acid with dissimilar properties. This amino acid position is conserved. Based on the available evidence, the clinical significance of this variant remains unclear.